The following is an entry in ClinVar:

NM_024721.5(ZFHX4):c.3759C>A (p.Asp1253Glu)

Gene: ZFHX4 (zinc finger homeobox 4; plus strand). Cytogenetic location: 8q21.13.
Variant type: single nucleotide variant.
Coding change: c.3759C>A on transcript NM_024721.5 (MANE Select); coding-DNA position 3759, C replaced by A.
Protein change: p.Asp1253Glu; replaces aspartic acid 1253 with glutamic acid.
Molecular consequence: missense variant.
Genome position (GRCh38, 1-based): chr8:76,849,625, C>A. VCF-style: chr8-76849625-C-A. GRCh37 (hg19) VCF-style: chr8-77761861-C-A.
Other names: c.3681C>A, p.Asp1227Glu (NM_001410934.1); short protein forms D1227E, D1253E.
Identifiers: ClinVar variation 4975302 (VCV004975302.1).

ClinVar aggregate classification (germline): Uncertain significance (1 of 4 stars; one submission).

Submission:

GeneDx
Classification: Uncertain significance. Last evaluated: 2026-01-21. Review status: criteria provided, single submitter. Criteria: GeneDx Variant Classification Process June 2021. Collection method: clinical testing. Allele origin: germline.
Comment: Not observed at significant frequency in large population cohorts (gnomAD); In silico analysis supports that this missense variant has a deleterious effect on protein structure/function; Has not been previously published as pathogenic or benign to our knowledge